The following is an entry in ClinVar:

ClinVar aggregate classification (germline): Uncertain significance (1 of 4 stars; one submission).

Conditions:
Baller-Gerold syndrome (BGS). Also called: CRANIOSYNOSTOSIS WITH RADIAL DEFECTS. Identifiers: Orphanet 1225, MedGen C0265308, MONDO:0009039, OMIM 218600.

Submission:

Labcorp Genetics (formerly Invitae), Labcorp
Classification: Uncertain significance for Baller-Gerold syndrome. Last evaluated: 2022-02-18. Review status: criteria provided, single submitter. Criteria: Invitae Variant Classification Sherloc (09022015). Collection method: clinical testing. Allele origin: germline.
Comment: In summary, the available evidence is currently insufficient to determine the role of this variant in disease. Therefore, it has been classified as a Variant of Uncertain Significance. Variants that disrupt the consensus splice site are a relatively common cause of aberrant splicing (PMID: 17576681, 9536098). Algorithms developed to predict the effect of sequence changes on RNA splicing suggest that this variant may disrupt the consensus splice site. This variant has not been reported in the literature in individuals affected with RECQL4-related conditions. Information on the frequency of this variant in the gnomAD database is not available, as this variant may be reported differently in the database. This sequence change falls in intron 6 of the RECQL4 gene. It does not directly change the encoded amino acid sequence of the RECQL4 protein. It affects a nucleotide within the consensus splice site.

Literature cited by the submitters: PubMed 17576681; PubMed 9536098.

NM_004260.4(RECQL4):c.1258+5_1258+6delinsAT

Gene: RECQL4 (RecQ like helicase 4; minus strand). Cytogenetic location: 8q24.3.
Variant type: Indel.
Coding change: c.1258+5_1258+6delinsAT on transcript NM_004260.4 (MANE Select); bases 5 to 6 of the intron after coding-DNA position 1258, GA replaced by AT.
Molecular consequence: intron variant.
Genome position (GRCh38, 1-based): chr8:144,515,758-144,515,759, TC replaced by AT on the plus strand (GA replaced by AT on the coding strand, the reverse complement: RECQL4 is on the minus strand). VCF-style: chr8-144515758-TC-AT. GRCh37 (hg19) VCF-style: chr8-145741142-TC-AT.
Identifiers: ClinVar variation 1474684 (VCV001474684.6), dbSNP rs2130711870, ClinGen allele CA2573142928.